The following is an entry in ClinVar:

ClinVar aggregate classification (germline): Uncertain significance (1 of 4 stars; one submission).

Conditions:
USH2A-related disorder. Also called: USH2A-related condition; USH2A-related disorders. Identifiers: MedGen CN239332.

gnomAD v4.1: 3 of 1,614,062 alleles (0.00019%); highest among the groups gnomAD compares: Non-Finnish European, 0.00025%; no homozygotes.

Submission:

PreventionGenetics, part of Exact Sciences
Classification: Uncertain significance for USH2A-related condition. Last evaluated: 2025-04-16. Review status: criteria provided, single submitter. Criteria: ACMG Guidelines, 2015. Collection method: clinical testing. Allele origin: germline.
Comment: The USH2A c.2328G>C variant is predicted to result in the amino acid substitution p.Gln776His. To our knowledge, this variant has not been reported in the literature or in a large population database (gnomAD), indicating this variant is rare. At this time, the clinical significance of this variant is uncertain due to the absence of conclusive functional and genetic evidence.

NM_206933.4(USH2A):c.2328G>C (p.Gln776His)

Genes: USH2A (usherin; minus strand), LOC122152296 (Sharpr-MPRA regulatory region 8762; plus strand). Cytogenetic location: 1q41.
Variant type: single nucleotide variant.
Coding change: c.2328G>C on transcript NM_206933.4 (MANE Select); coding-DNA position 2328, G replaced by C.
Protein change: p.Gln776His; replaces glutamine 776 with histidine.
Molecular consequence: missense variant.
Genome position (GRCh38, 1-based): chr1:216,247,066, C>G on the plus strand (G>C on the coding strand, the complement: USH2A is on the minus strand). VCF-style: chr1-216247066-C-G. GRCh37 (hg19) VCF-style: chr1-216420408-C-G.
Other names: c.2328G>C, p.Gln776His (NM_007123.6); short protein forms Q776H.
Identifiers: ClinVar variation 4979219 (VCV004979219.1).